The following is an entry in ClinVar:

ClinVar aggregate classification (germline): Pathogenic (0 of 4 stars; one submission).

Conditions:
Hypertrophic cardiomyopathy. Also called: HYPERTROPHIC MYOCARDIOPATHY. Identifiers: Orphanet 217569, MedGen C0007194, MeSH D002312, MONDO:0005045, HP:0001639.

Submission:

Laboratory for Molecular Medicine, Mass General Brigham Personalized Medicine
Classification: Pathogenic for Hypertrophic cardiomyopathy. Last evaluated: 2013-03-04. Review status: no assertion criteria provided. Collection method: clinical testing. Allele origin: germline. Inheritance: Autosomal dominant inheritance. Observed: 1 variant allele.
Comment: proposed classification - variant undergoing re-assessment, contact laboratory

NM_000256.3(MYBPC3):c.2437A>T (p.Lys813Ter)

Gene: MYBPC3 (myosin binding protein C3; minus strand). Cytogenetic location: 11p11.2.
Variant type: single nucleotide variant.
Coding change: c.2437A>T on transcript NM_000256.3 (MANE Select); coding-DNA position 2437, A replaced by T.
Protein change: p.Lys813Ter; replaces lysine 813 with a stop codon.
Molecular consequence: nonsense.
Genome position (GRCh38, 1-based): chr11:47,337,556, T>A on the plus strand (A>T on the coding strand, the complement: MYBPC3 is on the minus strand). VCF-style: chr11-47337556-T-A. GRCh37 (hg19) VCF-style: chr11-47359107-T-A.
Other names: short protein forms K813*.
Identifiers: ClinVar variation 177641 (VCV000177641.4), dbSNP rs727504252, ClinGen allele CA012265.